The following is an entry in ClinVar:

NM_003482.4(KMT2D):c.5649G>T (p.Leu1883=)

Gene: KMT2D (lysine methyltransferase 2D; minus strand). Cytogenetic location: 12q13.12.
Variant type: single nucleotide variant.
Coding change: c.5649G>T on transcript NM_003482.4 (MANE Select); coding-DNA position 5649, G replaced by T.
Protein change: p.Leu1883=; no amino-acid change (leucine 1883 retained).
Molecular consequence: synonymous variant.
Genome position (GRCh38, 1-based): chr12:49,042,874, C>A on the plus strand (G>T on the coding strand, the complement: KMT2D is on the minus strand). VCF-style: chr12-49042874-C-A. GRCh37 (hg19) VCF-style: chr12-49436657-C-A.
Identifiers: ClinVar variation 3765774 (VCV003765774.1).

ClinVar aggregate classification (germline): Uncertain significance (1 of 4 stars; one submission).

Submission:

Greenwood Genetic Center Diagnostic Laboratories, Greenwood Genetic Center
Classification: Uncertain significance. Last evaluated: 2024-11-19. Review status: criteria provided, single submitter. Criteria: ACMG Guidelines, 2015. Collection method: clinical testing. Allele origin: germline. Affected: yes.
Comment: PM2